The following is an entry in ClinVar:

ClinVar aggregate classification (germline): Uncertain significance. Review status: criteria provided, multiple submitters, no conflicts (2 of 4 stars). 2 submissions from 2 submitters: Uncertain significance (2). Last evaluated 2022-08-12.

Conditions:
Charcot-Marie-Tooth disease type 4. Also called: Charcot-Marie-Tooth disease, type IV; Charcot-Marie-Tooth, Type 4. Identifiers: Orphanet 64749, MedGen C4082197, MONDO:0018995.

Allele frequency attached by ClinVar (database versions not stated): gnomAD exomes 0.00001; TOPMed 0.00001.
gnomAD v4.1: 3 of 1,614,200 alleles (0.00019%); highest among the groups gnomAD compares: Admixed American, 0.005%; no homozygotes.

Submissions (2):

Blueprint Genetics
Classification: Uncertain significance. Last evaluated: 2022-08-12. Review status: criteria provided, single submitter. Criteria: ACMG Guidelines, 2015. Collection method: clinical testing. Allele origin: germline.

Labcorp Genetics (formerly Invitae), Labcorp
Classification: Uncertain significance for Charcot-Marie-Tooth disease type 4. Last evaluated: 2020-07-20. Review status: criteria provided, single submitter. Criteria: Invitae Variant Classification Sherloc (09022015). Collection method: clinical testing. Allele origin: germline.
Comment: This sequence change replaces asparagine with aspartic acid at codon 1096 of the SH3TC2 protein (p.Asn1096Asp). The asparagine residue is highly conserved and there is a small physicochemical difference between asparagine and aspartic acid. This variant is not present in population databases (ExAC no frequency). This variant has not been reported in the literature in individuals with SH3TC2-related conditions. Advanced modeling of protein sequence and biophysical properties (such as structural, functional, and spatial information, amino acid conservation, physicochemical variation, residue mobility, and thermodynamic stability) performed at Invitae indicates that this missense variant is not expected to disrupt SH3TC2 protein function. In summary, the available evidence is currently insufficient to determine the role of this variant in disease. Therefore, it has been classified as a Variant of Uncertain Significance.

NM_024577.4(SH3TC2):c.3286A>G (p.Asn1096Asp)

Gene: SH3TC2 (SH3 domain and tetratricopeptide repeats 2; minus strand). Cytogenetic location: 5q32.
Variant type: single nucleotide variant.
Coding change: c.3286A>G on transcript NM_024577.4 (MANE Select); coding-DNA position 3286, A replaced by G.
Protein change: p.Asn1096Asp; replaces asparagine 1096 with aspartic acid.
Molecular consequence: missense variant.
Genome position (GRCh38, 1-based): chr5:149,010,311, T>C on the plus strand (A>G on the coding strand, the complement: SH3TC2 is on the minus strand). VCF-style: chr5-149010311-T-C. GRCh37 (hg19) VCF-style: chr5-148389874-T-C.
Other names: short protein forms N1096D.
Identifiers: ClinVar variation 1040959 (VCV001040959.9), dbSNP rs1228973233, ClinGen allele CA361664855.